The following is an entry in ClinVar:

NM_024665.7(TBL1XR1):c.1504G>T (p.Ala502Ser)

Gene: TBL1XR1 (TBL1X/Y related 1; minus strand). Cytogenetic location: 3q26.32.
Variant type: single nucleotide variant.
Coding change: c.1504G>T on transcript NM_024665.7 (MANE Select); coding-DNA position 1504, G replaced by T.
Protein change: p.Ala502Ser; replaces alanine 502 with serine.
Molecular consequence: missense variant.
Genome position (GRCh38, 1-based): chr3:177,026,387, C>A on the plus strand (G>T on the coding strand, the complement: TBL1XR1 is on the minus strand). VCF-style: chr3-177026387-C-A. GRCh37 (hg19) VCF-style: chr3-176744175-C-A.
Other names: c.1504G>T, p.Ala502Ser (NM_001321193.3, NM_001321194.3, NM_001374327.1 and 2 more transcripts); c.1243G>T, p.Ala415Ser (NM_001321195.3, NM_001374330.1); short protein forms A415S, A502S.
Identifiers: ClinVar variation 4716276 (VCV004716276.1).

ClinVar aggregate classification (germline): Uncertain significance (1 of 4 stars; one submission).

Conditions:
Pierpont syndrome (PRPTS). Identifiers: Orphanet 487825, MedGen C1865644, MONDO:0011213, OMIM 602342.

Submission:

Labcorp Genetics (formerly Invitae), Labcorp
Classification: Uncertain significance for Pierpont syndrome. Last evaluated: 2025-03-30. Review status: criteria provided, single submitter. Criteria: Invitae Variant Classification Sherloc (09022015). Collection method: clinical testing. Allele origin: germline.
Comment: This sequence change replaces alanine, which is neutral and non-polar, with serine, which is neutral and polar, at codon 502 of the TBL1XR1 protein (p.Ala502Ser). This variant is not present in population databases (gnomAD no frequency). This variant has not been reported in the literature in individuals affected with TBL1XR1-related conditions. An algorithm developed to predict the effect of missense changes on protein structure and function (PolyPhen-2) suggests that this variant is likely to be tolerated. In summary, the available evidence is currently insufficient to determine the role of this variant in disease. Therefore, it has been classified as a Variant of Uncertain Significance.